The following is an entry in ClinVar:

NM_001142800.2(EYS):c.3489T>A (p.Asn1163Lys)

Gene: EYS (EGF-like photoreceptor maintenance factor; minus strand). Cytogenetic location: 6q12.
Variant type: single nucleotide variant.
Coding change: c.3489T>A on transcript NM_001142800.2 (MANE Select); coding-DNA position 3489, T replaced by A.
Protein change: p.Asn1163Lys; replaces asparagine 1163 with lysine.
Molecular consequence: missense variant.
Genome position (GRCh38, 1-based): chr6:64,626,200, A>T on the plus strand (T>A on the coding strand, the complement: EYS is on the minus strand). VCF-style: chr6-64626200-A-T. GRCh37 (hg19) VCF-style: chr6-65336093-A-T.
Other names: c.3489T>A, p.Asn1163Lys (NM_001292009.2); short protein forms N1163K.
Identifiers: ClinVar variation 143102 (VCV000143102.22), dbSNP rs150951106, ClinGen allele CA232827.

ClinVar aggregate classification (germline): Conflicting classifications of pathogenicity. Review status: criteria provided, conflicting classifications (1 of 4 stars). 8 submissions from 8 submitters: Uncertain significance (3); Benign (1); Likely benign (1). 3 of the submissions do not count toward it. Last evaluated 2026-01-26.

Conditions:
EYS-related disorder. Also called: EYS-related condition.
Retinal dystrophy. Also called: Inherited retinal dystrophy. Identifiers: Orphanet 71862, MedGen C0854723, MeSH D058499, MONDO:0019118, HP:0000556.
Retinitis pigmentosa (RP). Identifiers: Orphanet 791, MedGen C0035334, MeSH D012174, MONDO:0019200, OMIM 268000. Inheritance: Autosomal dominant, autosomal recessive and X linked inheritance.
Retinitis pigmentosa 25 (RP25). Identifiers: Orphanet 791, MedGen C1864446, MONDO:0011272, OMIM 602772.

Allele frequency attached by ClinVar (database versions not stated): ExAC 0.00036; gnomAD exomes 0.00071; gnomAD 0.00076; TOPMed 0.00085; 1000 Genomes Project 0.00180; 1000 Genomes Project 30x 0.00187.
gnomAD v4.1: 465 of 1,534,824 alleles (0.03%); highest among the groups gnomAD compares: East Asian, 0.75%; 2 homozygotes.

Submissions (8):

Labcorp Genetics (formerly Invitae), Labcorp
Classification: Benign. Last evaluated: 2026-01-26. Review status: criteria provided, single submitter. Criteria: Invitae Variant Classification Sherloc (09022015). Collection method: clinical testing. Allele origin: germline.

Blueprint Genetics
Classification: Likely benign. Last evaluated: 2024-08-30. Review status: criteria provided, single submitter. Criteria: ACMG Guidelines, 2015. Collection method: clinical testing. Allele origin: germline.

3billion
Classification: Uncertain significance for Retinitis pigmentosa 25. Last evaluated: 2024-08-12. Review status: criteria provided, single submitter. Criteria: ACMG Guidelines, 2015. Collection method: clinical testing. Allele origin: germline. Affected: yes.
Comment: The variant is observed at an extremely low frequency in the gnomAD v4.0.0 dataset (total allele frequency: 0.030%). Predicted Consequence/Location: The majority of the known disease-causing variants of this gene are variants expected to result in premature termination of the protein. In silico tool predictions suggest damaging effect of the variant on gene or gene product [REVEL: 0.65 (>=0.6, sensitivity 0.68 and specificity 0.92)]. The variant has been reported as Conflicting classifications of pathogenicity without evidence for the classification (ClinVar ID: VCV000143102). Therefore, this variant is classified as VUS according to the recommendation of ACMG/AMP guideline.

Dept Of Ophthalmology, Nagoya University
Classification: Uncertain significance for Retinal dystrophy. Last evaluated: 2023-10-01. Review status: criteria provided, single submitter. Criteria: Submitter's publication. Collection method: research. Allele origin: germline. Affected: yes.

Illumina Laboratory Services, Illumina
Classification: Uncertain significance for Retinitis pigmentosa. Last evaluated: 2017-04-28. Review status: criteria provided, single submitter. Criteria: ICSL Variant Classification Criteria 13 December 2019. Collection method: clinical testing. Allele origin: germline.
Comment: This variant was observed as part of a predisposition screen in an ostensibly healthy population. A literature search was performed for the gene, cDNA change, and amino acid change (where applicable). Publications were found based on this search. However, the evidence from the literature, in combination with allele frequency data from public databases where available, was not sufficient to rule this variant in or out of causing disease. Therefore, this variant is classified as a variant of unknown significance.

PreventionGenetics, part of Exact Sciences
Classification: Likely benign for EYS-related condition. Last evaluated: 2019-06-17. Review status: no assertion criteria provided. Collection method: clinical testing. Allele origin: germline. Not counted in ClinVar's aggregate classification.
Comment: This variant is classified as likely benign based on ACMG/AMP sequence variant interpretation guidelines (Richards et al. 2015 PMID: 25741868, with internal and published modifications).

Counsyl
Classification: Uncertain significance for Retinitis pigmentosa 25. Last evaluated: 2017-03-27. Review status: no assertion criteria provided. Collection method: clinical testing. Allele origin: unknown. Not counted in ClinVar's aggregate classification.

Department of Ophthalmology and Visual Sciences Kyoto University
Classification: Likely benign. Review status: no assertion criteria provided. Collection method: not provided. Allele origin: unknown. Not counted in ClinVar's aggregate classification.
ClinVar note: Converted during submission from probable-non-pathogenic to Likely benign.

Literature cited by the submitters: PubMed 2033377 (cited by Illumina Laboratory Services, Illumina); PubMed 25356976 (cited by Illumina Laboratory Services, Illumina and Counsyl); PubMed 22302105 (cited by Illumina Laboratory Services, Illumina and Counsyl); PubMed 20537394 (cited by Illumina Laboratory Services, Illumina and Counsyl); PubMed 25324289 (cited by Counsyl); PubMed 24938718 (cited by Counsyl); PubMed 20333770 (cited by Counsyl).